The following is an entry in ClinVar:

ClinVar aggregate classification (germline): Uncertain significance (1 of 4 stars; one submission).

Submission:

Labcorp Genetics (formerly Invitae), Labcorp
Classification: Uncertain significance. Last evaluated: 2021-07-15. Review status: criteria provided, single submitter. Criteria: Invitae Variant Classification Sherloc (09022015). Collection method: clinical testing. Allele origin: germline.
Comment: In summary, the available evidence is currently insufficient to determine the role of this variant in disease. Therefore, it has been classified as a Variant of Uncertain Significance. Algorithms developed to predict the effect of missense changes on protein structure and function are either unavailable or do not agree on the potential impact of this missense change (SIFT: "Deleterious"; PolyPhen-2: "Probably Damaging"; Align-GVGD: "Class C0"). This variant has not been reported in the literature in individuals affected with FERMT1-related conditions. This variant is not present in population databases (ExAC no frequency). This sequence change replaces arginine with threonine at codon 421 of the FERMT1 protein (p.Arg421Thr). The arginine residue is moderately conserved and there is a moderate physicochemical difference between arginine and threonine.

NM_017671.5(FERMT1):c.1262G>C (p.Arg421Thr)

Gene: FERMT1 (FERM domain containing kindlin 1; minus strand). Cytogenetic location: 20p12.3.
Variant type: single nucleotide variant.
Coding change: c.1262G>C on transcript NM_017671.5 (MANE Select); coding-DNA position 1262, G replaced by C.
Protein change: p.Arg421Thr; replaces arginine 421 with threonine.
Molecular consequence: missense variant.
Genome position (GRCh38, 1-based): chr20:6,088,967, C>G on the plus strand (G>C on the coding strand, the complement: FERMT1 is on the minus strand). VCF-style: chr20-6088967-C-G. GRCh37 (hg19) VCF-style: chr20-6069614-C-G.
Other names: short protein forms R421T.
Identifiers: ClinVar variation 1464756 (VCV001464756.8), dbSNP rs781688885, ClinGen allele CA408180826.